The following is an entry in ClinVar:

NM_020778.5(ALPK3):c.2407C>T (p.Gln803Ter)

Gene: ALPK3 (alpha kinase 3; plus strand). Cytogenetic location: 15q25.3.
Variant type: single nucleotide variant.
Coding change: c.2407C>T on transcript NM_020778.5 (MANE Select); coding-DNA position 2407, C replaced by T.
Protein change: p.Gln803Ter; replaces glutamine 803 with a stop codon.
Molecular consequence: nonsense.
Genome position (GRCh38, 1-based): chr15:84,857,145, C>T. VCF-style: chr15-84857145-C-T. GRCh37 (hg19) VCF-style: chr15-85400376-C-T.
Other names: short protein forms Q1005*, Q803*.
Identifiers: ClinVar variation 450912 (VCV000450912.4), dbSNP rs1555435405, ClinGen allele CA393357038.

ClinVar aggregate classification (germline): Pathogenic/Likely pathogenic. Review status: criteria provided, multiple submitters, no conflicts (2 of 4 stars). 2 submissions from 2 submitters: Pathogenic (1); Likely pathogenic (1). Last evaluated 2024-11-12.

Allele frequency attached by ClinVar (database versions not stated): gnomAD exomes below 0.00001.
gnomAD v4.1: 2 of 1,614,078 alleles (0.00012%); highest among the groups gnomAD compares: Non-Finnish European, 0.000085%; no homozygotes.

Submissions (2):

Labcorp Genetics (formerly Invitae), Labcorp
Classification: Pathogenic. Last evaluated: 2024-11-12. Review status: criteria provided, single submitter. Criteria: Invitae Variant Classification Sherloc (09022015). Collection method: clinical testing. Allele origin: germline.
Comment: This sequence change creates a premature translational stop signal (p.Gln1005*) in the ALPK3 gene. It is expected to result in an absent or disrupted protein product. Loss-of-function variants in ALPK3 are known to be pathogenic (PMID: 21441111, 26846950, 27106955, 34263907). This variant is present in population databases (no rsID available, gnomAD 0.0009%). This variant has not been reported in the literature in individuals affected with ALPK3-related conditions. ClinVar contains an entry for this variant (Variation ID: 450912). For these reasons, this variant has been classified as Pathogenic.

GeneDx
Classification: Likely pathogenic. Last evaluated: 2017-08-02. Review status: criteria provided, single submitter. Criteria: GeneDx Variant Classification (06012015). Collection method: clinical testing. Allele origin: germline. Affected: yes.
Comment: The Q1005X variant in the ALPK3 gene has not been reported as a pathogenic or benign to our knowledge. This variant is not observed in large population cohorts (Lek et al., 2016; 1000 Genomes Consortium et al., 2015; Exome Variant Server). The Q1005X variant is predicted to cause loss of normal protein function either by protein truncation or nonsense-mediated mRNA decay. However, only a few other nonsense variants in the ALPK3 gene have been reported in Human Gene Mutation Database in association with cardiomyopathy (Stenson et al., 2014).

Literature cited by the submitters: PubMed 21441111 (cited by Labcorp Genetics (formerly Invitae), Labcorp); PubMed 26846950 (cited by Labcorp Genetics (formerly Invitae), Labcorp); PubMed 27106955 (cited by Labcorp Genetics (formerly Invitae), Labcorp); PubMed 34263907 (cited by Labcorp Genetics (formerly Invitae), Labcorp).